The following is an entry in ClinVar:

NM_001048174.2(MUTYH):c.1009A>C (p.Lys337Gln)

Gene: MUTYH (mutY DNA glycosylase; minus strand). Cytogenetic location: 1p34.1.
Variant type: single nucleotide variant.
Coding change: c.1009A>C on transcript NM_001048174.2 (MANE Select); coding-DNA position 1009, A replaced by C.
Protein change: p.Lys337Gln; replaces lysine 337 with glutamine.
Molecular consequence: missense variant. On other transcripts: non-coding transcript variant (7).
Genome position (GRCh38, 1-based): chr1:45,331,754, T>G on the plus strand (A>C on the coding strand, the complement: MUTYH is on the minus strand). VCF-style: chr1-45331754-T-G. GRCh37 (hg19) VCF-style: chr1-45797426-T-G.
Other names: c.1009A>C, p.Lys337Gln (NM_001048171.2, NM_001048173.2, NM_001293195.2 and 6 more transcripts); c.1012A>C, p.Lys338Gln (NM_001048172.2, NM_001407071.1, NM_001407078.1 and 1 more transcripts); c.1093A>C, p.Lys365Gln (NM_001128425.2); c.1054A>C, p.Lys352Gln (NM_001293190.2); c.1042A>C, p.Lys348Gln (NM_001293191.2, NM_001407069.1, NM_001407077.1); c.733A>C, p.Lys245Gln (NM_001293192.2, NM_001293196.2, NM_001407091.1); c.664A>C, p.Lys222Gln (NM_001350650.2, NM_001350651.2, NM_001407082.1); c.925A>C, p.Lys309Gln (NM_001407075.1); and 5 more; short protein forms K337Q, K344Q, K348Q, K352Q, K222Q, K309Q, K324Q, K362Q.
Identifiers: ClinVar variation 4113008 (VCV004113008.1).

ClinVar aggregate classification (germline): Uncertain significance (1 of 4 stars; one submission).

Conditions:
Hereditary cancer-predisposing syndrome. Also called: Tumor predisposition; Neoplastic Syndromes, Hereditary; Hereditary neoplastic syndrome; Hereditary Cancer Syndrome. Identifiers: Orphanet 140162, MedGen C0027672, MeSH D009386, MONDO:0015356.

Submission:

Ambry Genetics
Classification: Uncertain significance for Hereditary cancer-predisposing syndrome. Last evaluated: 2025-08-27. Review status: criteria provided, single submitter. Criteria: Ambry Variant Classification Scheme 2023. Collection method: clinical testing. Allele origin: germline.
Comment: The p.K365Q variant (also known as c.1093A>C), located in coding exon 12 of the MUTYH gene, results from an A to C substitution at nucleotide position 1093. The lysine at codon 365 is replaced by glutamine, an amino acid with similar properties. This amino acid position is conserved. In addition, this alteration is predicted to be tolerated by in silico analysis. Based on the available evidence, the clinical significance of this variant remains unclear.